The following is an entry in ClinVar:

NM_033305.3(VPS13A):c.9087_9088del (p.Glu3029fs)

Gene: VPS13A (vacuolar protein sorting 13 homolog A; plus strand). Cytogenetic location: 9q21.2.
Variant type: Microsatellite.
Coding change: c.9087_9088del on transcript NM_033305.3 (MANE Select); coding-DNA positions 9087 to 9088, 2 bases deleted (GA; older notation c.9087_9088delGA).
Protein change: p.Glu3029fs; shifts the reading frame from glutamic acid 3029.
Molecular consequence: frameshift variant.
Genome position (GRCh38, 1-based): chr9:77,381,985-77,381,986, GA deleted; deleting any 2 consecutive bases within chr9:77,381,982-77,381,986 gives the same sequence; the c. name uses the placement nearest the transcript's 3' end. VCF-style (leftmost placement, unchanged base first): chr9-77381981-CAG-C. GRCh37 (hg19) VCF-style: chr9-79996897-CAG-C.
Other names: c.8970_8971del, p.Glu2990fs (NM_001018037.2); c.9087_9088del, p.Glu3029fs (NM_001018038.3, NM_015186.4); short protein forms E3029fs, E2990fs.
Identifiers: ClinVar variation 2746391 (VCV002746391.3), dbSNP rs2538255284, ClinGen allele CA2697557791.

ClinVar aggregate classification (germline): Pathogenic (1 of 4 stars; one submission).

Submission:

Labcorp Genetics (formerly Invitae), Labcorp
Classification: Pathogenic. Last evaluated: 2023-07-25. Review status: criteria provided, single submitter. Criteria: Invitae Variant Classification Sherloc (09022015). Collection method: clinical testing. Allele origin: germline.
Comment: This sequence change creates a premature translational stop signal (p.Glu3029Aspfs*3) in the VPS13A gene. It is expected to result in an absent or disrupted protein product. Loss-of-function variants in VPS13A are known to be pathogenic (PMID: 12404112, 21598378). This variant is not present in population databases (gnomAD no frequency). This variant has not been reported in the literature in individuals affected with VPS13A-related conditions. For these reasons, this variant has been classified as Pathogenic.

Literature cited by the submitters: PubMed 12404112; PubMed 21598378.